The following is an entry in ClinVar:

NM_025074.7(FRAS1):c.4059A>C (p.Leu1353Phe)

Gene: FRAS1 (Fraser extracellular matrix complex subunit 1; plus strand). Cytogenetic location: 4q21.21.
Variant type: single nucleotide variant.
Coding change: c.4059A>C on transcript NM_025074.7 (MANE Select); coding-DNA position 4059, A replaced by C.
Protein change: p.Leu1353Phe; replaces leucine 1353 with phenylalanine.
Molecular consequence: missense variant.
Genome position (GRCh38, 1-based): chr4:78,400,817, A>C. VCF-style: chr4-78400817-A-C. GRCh37 (hg19) VCF-style: chr4-79321971-A-C.
Other names: c.4059A>C, p.Leu1353Phe (NM_001166133.2); short protein forms L1353F.
Identifiers: ClinVar variation 3096691 (VCV003096691.3), dbSNP rs369581510, ClinGen allele CA2977084.

ClinVar aggregate classification (germline): Uncertain significance. Review status: criteria provided, single submitter (1 of 4 stars). 2 submissions from 2 submitters: Uncertain significance (1). 1 of the submissions does not count toward it. Last evaluated 2026-04-28.

Conditions:
FRAS1-related disorder. Also called: FRAS1-related condition.
Inborn genetic diseases. Identifiers: MedGen C0950123, MeSH D030342.

Allele frequency attached by ClinVar (database versions not stated): ESP Exome Variant Server 0.00008; ExAC 0.00001; gnomAD exomes 0.00001; gnomAD 0.00012; TOPMed 0.00018.

Submissions (2):

Ambry Genetics
Classification: Uncertain significance for Inborn genetic diseases. Last evaluated: 2026-04-28. Review status: criteria provided, single submitter. Criteria: Ambry Variant Classification Scheme 2023. Collection method: clinical testing. Allele origin: germline.

PreventionGenetics, part of Exact Sciences
Classification: Uncertain significance for FRAS1-related condition. Last evaluated: 2024-03-25. Review status: no assertion criteria provided. Collection method: clinical testing. Allele origin: germline. Not counted in ClinVar's aggregate classification.
Comment: The FRAS1 c.4059A>C variant is predicted to result in the amino acid substitution p.Leu1353Phe. To our knowledge, this variant has not been reported in the literature. This variant is reported in 0.046% of alleles in individuals of African descent in gnomAD. At this time, the clinical significance of this variant is uncertain due to the absence of conclusive functional and genetic evidence.